The following is an entry in ClinVar:

NM_012275.3(IL36RN):c.322A>T (p.Thr108Ser)

Gene: IL36RN (interleukin 36 receptor antagonist; plus strand). Cytogenetic location: 2q14.1.
Variant type: single nucleotide variant.
Coding change: c.322A>T on transcript NM_012275.3 (MANE Select); coding-DNA position 322, A replaced by T.
Protein change: p.Thr108Ser; replaces threonine 108 with serine.
Molecular consequence: missense variant.
Genome position (GRCh38, 1-based): chr2:113,062,531, A>T. VCF-style: chr2-113062531-A-T. GRCh37 (hg19) VCF-style: chr2-113820108-A-T.
Other names: c.322A>T, p.Thr108Ser (NM_173170.1); short protein forms T108S.
Identifiers: ClinVar variation 2127296 (VCV002127296.4), dbSNP rs1573387732, ClinGen allele CA348290359.

ClinVar aggregate classification (germline): Uncertain significance (1 of 4 stars; one submission).

Conditions:
Generalized pustular psoriasis. Identifiers: Orphanet 247353, MedGen C0343055, MONDO:0100491.

Submission:

Labcorp Genetics (formerly Invitae), Labcorp
Classification: Uncertain significance for Generalized pustular psoriasis. Last evaluated: 2022-07-21. Review status: criteria provided, single submitter. Criteria: Invitae Variant Classification Sherloc (09022015). Collection method: clinical testing. Allele origin: germline.
Comment: This variant has not been reported in the literature in individuals affected with IL36RN-related conditions. In summary, the available evidence is currently insufficient to determine the role of this variant in disease. Therefore, it has been classified as a Variant of Uncertain Significance. Algorithms developed to predict the effect of missense changes on protein structure and function (SIFT, PolyPhen-2, Align-GVGD) all suggest that this variant is likely to be disruptive. This variant is not present in population databases (gnomAD no frequency). This sequence change replaces threonine, which is neutral and polar, with serine, which is neutral and polar, at codon 108 of the IL36RN protein (p.Thr108Ser).